The following is an entry in ClinVar:

NM_003051.4(SLC16A1):c.41C>A (p.Pro14Gln)

Gene: SLC16A1 (solute carrier family 16 member 1; minus strand). Cytogenetic location: 1p13.2.
Variant type: single nucleotide variant.
Coding change: c.41C>A on transcript NM_003051.4 (MANE Select); coding-DNA position 41, C replaced by A.
Protein change: p.Pro14Gln; replaces proline 14 with glutamine.
Molecular consequence: missense variant.
Genome position (GRCh38, 1-based): chr1:112,929,268, G>T on the plus strand (C>A on the coding strand, the complement: SLC16A1 is on the minus strand). VCF-style: chr1-112929268-G-T. GRCh37 (hg19) VCF-style: chr1-113471890-G-T.
Other names: c.41C>A, p.Pro14Gln (NM_001166496.2); short protein forms P14Q.
Identifiers: ClinVar variation 4631010 (VCV004631010.2).

ClinVar aggregate classification (germline): Uncertain significance. Review status: criteria provided, multiple submitters, no conflicts (2 of 4 stars). 2 submissions from 2 submitters: Uncertain significance (2). Last evaluated 2025-10-24.

Conditions:
Inborn genetic diseases. Identifiers: MedGen C0950123, MeSH D030342.

gnomAD v4.1: 4 of 1,613,422 alleles (0.00025%); highest among the groups gnomAD compares: East Asian, 0.0045%; no homozygotes.

Submissions (2):

Ambry Genetics
Classification: Uncertain significance for Inborn genetic diseases. Last evaluated: 2025-10-24. Review status: criteria provided, single submitter. Criteria: Ambry Variant Classification Scheme 2023. Collection method: clinical testing. Allele origin: germline.

Labcorp Genetics (formerly Invitae), Labcorp
Classification: Uncertain significance. Last evaluated: 2025-04-23. Review status: criteria provided, single submitter. Criteria: Invitae Variant Classification Sherloc (09022015). Collection method: clinical testing. Allele origin: germline.
Comment: This sequence change replaces proline, which is neutral and non-polar, with glutamine, which is neutral and polar, at codon 14 of the SLC16A1 protein (p.Pro14Gln). This variant is present in population databases (rs763038298, gnomAD 0.003%). This variant has not been reported in the literature in individuals affected with SLC16A1-related conditions. An algorithm developed to predict the effect of missense changes on protein structure and function (PolyPhen-2) suggests that this variant is likely to be disruptive. In summary, the available evidence is currently insufficient to determine the role of this variant in disease. Therefore, it has been classified as a Variant of Uncertain Significance.